The following is an entry in ClinVar:

ClinVar aggregate classification (germline): Uncertain significance (1 of 4 stars; one submission).

Submission:

Labcorp Genetics (formerly Invitae), Labcorp
Classification: Uncertain significance. Last evaluated: 2024-12-03. Review status: criteria provided, single submitter. Criteria: Invitae Variant Classification Sherloc (09022015). Collection method: clinical testing. Allele origin: germline.
Comment: This sequence change replaces leucine, which is neutral and non-polar, with glutamine, which is neutral and polar, at codon 153 of the NAF1 protein (p.Leu153Gln). This variant is not present in population databases (gnomAD no frequency). This variant has not been reported in the literature in individuals affected with NAF1-related conditions. An algorithm developed to predict the effect of missense changes on protein structure and function (PolyPhen-2) suggests that this variant is likely to be disruptive. In summary, the available evidence is currently insufficient to determine the role of this variant in disease. Therefore, it has been classified as a Variant of Uncertain Significance.

NM_138386.3(NAF1):c.458T>A (p.Leu153Gln)

Gene: NAF1 (nuclear assembly factor 1 ribonucleoprotein; minus strand). Cytogenetic location: 4q32.2.
Variant type: single nucleotide variant.
Coding change: c.458T>A on transcript NM_138386.3 (MANE Select); coding-DNA position 458, T replaced by A.
Protein change: p.Leu153Gln; replaces leucine 153 with glutamine.
Molecular consequence: missense variant.
Genome position (GRCh38, 1-based): chr4:163,164,299, A>T on the plus strand (T>A on the coding strand, the complement: NAF1 is on the minus strand). VCF-style: chr4-163164299-A-T. GRCh37 (hg19) VCF-style: chr4-164085451-A-T.
Other names: c.458T>A, p.Leu153Gln (NM_001128931.2); short protein forms L153Q.
Identifiers: ClinVar variation 3726501 (VCV003726501.2).